The following is an entry in ClinVar:

ClinVar aggregate classification (germline): Likely benign (1 of 4 stars; one submission).

Allele frequency attached by ClinVar (database versions not stated): TOPMed 0.00032; gnomAD exomes 0.00040; gnomAD 0.00032; ExAC 0.00127.
gnomAD v4.1: 287 of 717,536 alleles (0.04%); highest among the groups gnomAD compares: Non-Finnish European, 0.015%; no homozygotes.

Submission:

CeGaT Center for Human Genetics Tuebingen
Classification: Likely benign. Last evaluated: 2022-12-01. Review status: criteria provided, single submitter. Criteria: CeGaT Center For Human Genetics Tuebingen Variant Classification Criteria Version 2. Collection method: clinical testing. Allele origin: germline. Affected: yes. Observed: 1 variant allele.
Comment: GRIK5: BP4, BP7

NM_002088.5(GRIK5):c.2514+908G>A

Gene: GRIK5 (glutamate ionotropic receptor kainate type subunit 5; minus strand). Cytogenetic location: 19q13.2.
Variant type: single nucleotide variant.
Coding change: c.2514+908G>A on transcript NM_002088.5 (MANE Select); 908 bases into the intron after coding-DNA position 2514, G replaced by A.
Molecular consequence: intron variant. On other transcripts: synonymous variant (1).
Genome position (GRCh38, 1-based): chr19:42,002,424, C>T on the plus strand (G>A on the coding strand, the complement: GRIK5 is on the minus strand). VCF-style: chr19-42002424-C-T. GRCh37 (hg19) VCF-style: chr19-42506576-C-T.
Other names: c.2637G>A, p.Arg879= (NM_001301030.2).
Identifiers: ClinVar variation 2649937 (VCV002649937.24), dbSNP rs200235222, ClinGen allele CA9468073.
Genomic context (GRCh38, chr19:42,002,424, plus strand): 5'-CCAATAAAGAGAGGACAACTGATGCTGCAGGAGGAAAGGACAGACTTGCCGGAGGGATGT[C>T]CTTGAGAAGGCAACCTGGACACGGGTGGAGGGCACCTTTACTAGCAGCATGGACGGCTCC-3'